The following is an entry in ClinVar:

ClinVar aggregate classification (germline): Likely benign. Review status: criteria provided, single submitter (1 of 4 stars). 2 submissions from 2 submitters: Likely benign (1). 1 of the submissions does not count toward it. Last evaluated 2024-07-24.

Conditions:
RP1L1-related disorder. Also called: RP1L1-related condition.

Allele frequency attached by ClinVar (database versions not stated): ExAC 0.00014; 1000 Genomes Project 0.00020; 1000 Genomes Project 30x 0.00031; ESP Exome Variant Server 0.00040.
gnomAD v4.1: 179 of 1,612,694 alleles (0.011%); highest among the groups gnomAD compares: African/African-American, 0.18%; no homozygotes.

Submissions (2):

Blueprint Genetics
Classification: Likely benign. Last evaluated: 2024-07-24. Review status: criteria provided, single submitter. Criteria: ACMG Guidelines, 2015. Collection method: clinical testing. Allele origin: germline.

PreventionGenetics, part of Exact Sciences
Classification: Likely benign for RP1L1-related condition. Last evaluated: 2019-06-21. Review status: no assertion criteria provided. Collection method: clinical testing. Allele origin: germline. Not counted in ClinVar's aggregate classification.
Comment: This variant is classified as likely benign based on ACMG/AMP sequence variant interpretation guidelines (Richards et al. 2015 PMID: 25741868, with internal and published modifications).

NM_178857.6(RP1L1):c.1683C>T (p.Ala561=)

Gene: RP1L1 (RP1 like 1). Cytogenetic location: 8p23.1.
Variant type: single nucleotide variant.
Coding change: c.1683C>T on transcript NM_178857.6 (MANE Select); coding-DNA position 1683, C replaced by T.
Protein change: p.Ala561=; no amino-acid change (alanine 561 retained).
Molecular consequence: synonymous variant.
Genome position (GRCh38, 1-based): chr8:10,612,415, G>A on the plus strand (C>T on the coding strand, the complement: RP1L1 is on the minus strand). VCF-style: chr8-10612415-G-A. GRCh37 (hg19) VCF-style: chr8-10469925-G-A.
Identifiers: ClinVar variation 3034051 (VCV003034051.3), dbSNP rs377749782, ClinGen allele CA4625091.